The following is an entry in ClinVar:

ClinVar aggregate classification (germline): Pathogenic (1 of 4 stars; one submission).

Conditions:
Hereditary cancer-predisposing syndrome. Also called: Tumor predisposition; Hereditary Cancer Syndrome; Hereditary neoplastic syndrome; Neoplastic Syndromes, Hereditary. Identifiers: Orphanet 140162, MedGen C0027672, MeSH D009386, MONDO:0015356.

Submission:

Ambry Genetics
Classification: Pathogenic for Hereditary cancer-predisposing syndrome. Last evaluated: 2024-01-02. Review status: criteria provided, single submitter. Criteria: Ambry Variant Classification Scheme 2023. Collection method: clinical testing. Allele origin: germline.
Comment: The c.6827_6828inv variant (also known as p.F2276*), located in coding exon 46 of the ATM gene, results from an inversion of 2 nucleotides at positions c.6827 to c.6828. This results in the substitution of the phenylalanine residue for a stop codon at position 2276. This alteration is expected to result in loss of function by premature protein truncation or nonsense-mediated mRNA decay. As such, this alteration is interpreted as a disease-causing mutation.

NM_000051.4(ATM):c.6827_6828inv (p.Phe2276Ter)

Genes: ATM (ATM serine/threonine kinase; plus strand), C11orf65 (chromosome 11 open reading frame 65; minus strand). Cytogenetic location: 11q22.3.
Variant type: Inversion.
Coding change: c.6827_6828inv on transcript NM_000051.4 (MANE Select).
Protein change: p.Phe2276Ter; replaces phenylalanine 2276 with a stop codon.
Molecular consequence: nonsense. On other transcripts: intron variant (2).
Genome position: GRCh38 VCF-style: chr11-108326077-TT-AA. GRCh37 (hg19) VCF-style: chr11-108196804-TT-AA.
Other names: c.6827_6828invTT, p.Phe2276Ter (NM_000051.3); c.6827_6828inv, p.Phe2276Ter (NM_001351834.2); c.641-17007_641-17006inv (NM_001330368.2); c.*38+9142_*38+9143inv (NM_001351110.2); short protein forms F2276*.
Identifiers: ClinVar variation 1800205 (VCV001800205.2), ClinGen allele CA2580083111.